The following is an entry in ClinVar:

ClinVar aggregate classification (germline): Conflicting classifications of pathogenicity. Review status: criteria provided, conflicting classifications (1 of 4 stars). 5 submissions from 5 submitters: Uncertain significance (3); Likely benign (2). Last evaluated 2025-08-14.

Conditions:
Cardiovascular phenotype. Identifiers: MedGen CN230736.
Hereditary hemorrhagic telangiectasia (HHT). Also called: ORW DISEASE; Osler Weber Rendu syndrome; OSLER-RENDU-WEBER DISEASE; Osler hemorrhagic telangiectasia syndrome. Identifiers: Orphanet 774, MedGen C0039445, MONDO:0019180. Disease mechanism: loss of function.
Telangiectasia, hereditary hemorrhagic, type 1 (HHT1). Also called: Osler Weber Rendu syndrome type 1; ENG-Related Hereditary Hemorrhagic Telangiectasia. Identifiers: Orphanet 774, MedGen C4551861, MONDO:0008535, OMIM 187300. Disease mechanism: loss of function.

Submissions (5):

Labcorp Genetics (formerly Invitae), Labcorp
Classification: Uncertain significance for Hereditary hemorrhagic telangiectasia. Last evaluated: 2025-08-14. Review status: criteria provided, single submitter. Criteria: Invitae Variant Classification Sherloc (09022015). Collection method: clinical testing. Allele origin: germline.
Comment: This sequence change replaces histidine, which is basic and polar, with tyrosine, which is neutral and polar, at codon 108 of the ENG protein (p.His108Tyr). Information on the frequency of this variant in the gnomAD database is not available, as this variant may be reported differently in the database. This missense change has been observed in individual(s) with hereditary hemorrhagic telangiectasia (PMID: 25312062). ClinVar contains an entry for this variant (Variation ID: 407139). Algorithms developed to predict the effect of variants on gene product structure and function are not available or were not evaluated for this variant. Experimental studies have shown that this missense change does not substantially affect ENG function (PMID: 25312062). In summary, the available evidence is currently insufficient to determine the role of this variant in disease. Therefore, it has been classified as a Variant of Uncertain Significance.

Impact Genetics, Dynacare/LabCorp
Classification: Likely benign for Telangiectasia, hereditary hemorrhagic, type 1. Last evaluated: 2023-02-07. Review status: criteria provided, single submitter. Criteria: DeMille et al. (Hum Mutat. 2024). Collection method: clinical testing. Allele origin: germline.
Comment: BS3_supporting, BP2, BP4

Fulgent Genetics
Classification: Uncertain significance for Telangiectasia, hereditary hemorrhagic, type 1. Last evaluated: 2022-01-28. Review status: criteria provided, single submitter. Criteria: ACMG Guidelines, 2015. Collection method: clinical testing. Allele origin: unknown.

Laboratory for Molecular Medicine, Mass General Brigham Personalized Medicine
Classification: Uncertain significance. Last evaluated: 2017-04-03. Review status: criteria provided, single submitter. Criteria: LMM Criteria. Collection method: clinical testing. Allele origin: germline. Observed: 1 variant allele.
Comment: Variant classified as Uncertain Significance - Favor Benign. The p.His108Tyr (c. 321_322delinsTT) variant in ENG results from a deletion and insertion of 2 conse cutive bases in cis and creates a missense change. The p.His108Tyr variant has also been identified in 15/66242 European chromosomes by the Exome Aggregation Consortium (ExAC; dbSNP rs756897517). In vitro functional studies pro vide some evidence that this change may not impact protein function (Mallet 2015 ). However, these types of assays may not accurately represent biological functi on. In summary, while the clinical significance of the p.His108Tyr variant is un certain, these data suggest that it is more likely to be benign.

Ambry Genetics
Classification: Likely benign for Cardiovascular phenotype. Last evaluated: 2017-02-11. Review status: criteria provided, single submitter. Criteria: Ambry Variant Classification Scheme 2023. Collection method: clinical testing. Allele origin: germline.

Literature cited by the submitters: PubMed 25312062 (cited by 3 submitters).

NM_001114753.3(ENG):c.321_322delinsTT (p.His108Tyr)

Gene: ENG (endoglin; minus strand). Cytogenetic location: 9q34.11.
Variant type: Indel.
Coding change: c.321_322delinsTT on transcript NM_001114753.3 (MANE Select); coding-DNA positions 321 to 322, GC replaced by TT.
Protein change: p.His108Tyr; replaces histidine 108 with tyrosine.
Molecular consequence: missense variant. On other transcripts: 5 prime UTR variant (1).
Genome position (GRCh38, 1-based): chr9:127,829,725-127,829,726, GC replaced by AA on the plus strand (GC replaced by TT on the coding strand, the reverse complement: ENG is on the minus strand). VCF-style: chr9-127829725-GC-AA. GRCh37 (hg19) VCF-style: chr9-130592004-GC-AA.
Other names: c.321_322delGCinsTT (NM_000118.3, NM_001114753.1); c.321_322delGCinsTT, p.His108Tyr (NM_000118.4, NM_001114753.2, NM_001406715.1); c.-226_-225delinsTT (NM_001278138.2); short protein forms H108Y.
Identifiers: ClinVar variation 407139 (VCV000407139.18), dbSNP rs1060501425, ClinGen allele CA16612414.